The following is an entry in ClinVar:

ClinVar aggregate classification (germline): Uncertain significance. Review status: criteria provided, multiple submitters, no conflicts (2 of 4 stars). 2 submissions from 2 submitters: Uncertain significance (2). Last evaluated 2025-09-21.

Conditions:
Cardiovascular phenotype. Identifiers: MedGen CN230736.

Allele frequency attached by ClinVar (database versions not stated): gnomAD 0.00001; TOPMed 0.00002; gnomAD exomes 0.00005.
gnomAD v4.1: 67 of 1,613,558 alleles (0.0042%); highest among the groups gnomAD compares: Non-Finnish European, 0.0057%; no homozygotes.

Submissions (2):

Ambry Genetics
Classification: Uncertain significance for Cardiovascular phenotype. Last evaluated: 2025-09-21. Review status: criteria provided, single submitter. Criteria: Ambry Variant Classification Scheme 2023. Collection method: clinical testing. Allele origin: germline.
Comment: The p.K56T variant (also known as c.167A>C), located in coding exon 1 of the TECRL gene, results from an A to C substitution at nucleotide position 167. The lysine at codon 56 is replaced by threonine, an amino acid with similar properties. This amino acid position is conserved. In addition, this alteration is predicted to be tolerated by in silico analysis. Based on the available evidence, the clinical significance of this variant remains unclear.

Blueprint Genetics
Classification: Uncertain significance. Last evaluated: 2022-02-25. Review status: criteria provided, single submitter. Criteria: ACMG Guidelines, 2015. Collection method: clinical testing. Allele origin: germline.

NM_001010874.5(TECRL):c.167A>C (p.Lys56Thr)

Gene: TECRL (trans-2,3-enoyl-CoA reductase like; minus strand). Cytogenetic location: 4q13.1.
Variant type: single nucleotide variant.
Coding change: c.167A>C on transcript NM_001010874.5 (MANE Select); coding-DNA position 167, A replaced by C.
Protein change: p.Lys56Thr; replaces lysine 56 with threonine.
Molecular consequence: missense variant.
Genome position (GRCh38, 1-based): chr4:64,409,185, T>G on the plus strand (A>C on the coding strand, the complement: TECRL is on the minus strand). VCF-style: chr4-64409185-T-G. GRCh37 (hg19) VCF-style: chr4-65274903-T-G.
Other names: c.167A>C, p.Lys56Thr (NM_001363796.1); short protein forms K56T.
Identifiers: ClinVar variation 2295834 (VCV002295834.4), dbSNP rs1029931574, ClinGen allele CA98684052.